The following is an entry in ClinVar:

NM_000122.2(ERCC3):c.968G>A (p.Ser323Asn)

Gene: ERCC3 (ERCC excision repair 3, TFIIH core complex helicase subunit; minus strand). Cytogenetic location: 2q14.3.
Variant type: single nucleotide variant.
Coding change: c.968G>A on transcript NM_000122.2 (MANE Select); coding-DNA position 968, G replaced by A.
Protein change: p.Ser323Asn; replaces serine 323 with asparagine.
Molecular consequence: missense variant.
Genome position (GRCh38, 1-based): chr2:127,288,719, C>T on the plus strand (G>A on the coding strand, the complement: ERCC3 is on the minus strand). VCF-style: chr2-127288719-C-T. GRCh37 (hg19) VCF-style: chr2-128046295-C-T.
Other names: c.776G>A, p.Ser259Asn (NM_001303416.2, NM_001303418.2); short protein forms S259N, S323N.
Identifiers: ClinVar variation 1487865 (VCV001487865.6), dbSNP rs776936481, ClinGen allele CA348390291.

ClinVar aggregate classification (germline): Uncertain significance (1 of 4 stars; one submission).

Allele frequency attached by ClinVar (database versions not stated): TOPMed below 0.00001.

Submission:

Labcorp Genetics (formerly Invitae), Labcorp
Classification: Uncertain significance. Last evaluated: 2022-09-27. Review status: criteria provided, single submitter. Criteria: Invitae Variant Classification Sherloc (09022015). Collection method: clinical testing. Allele origin: germline.
Comment: This sequence change replaces serine, which is neutral and polar, with asparagine, which is neutral and polar, at codon 323 of the ERCC3 protein (p.Ser323Asn). This variant is not present in population databases (gnomAD no frequency). This variant has not been reported in the literature in individuals affected with ERCC3-related conditions. ClinVar contains an entry for this variant (Variation ID: 1487865). Advanced modeling of protein sequence and biophysical properties (such as structural, functional, and spatial information, amino acid conservation, physicochemical variation, residue mobility, and thermodynamic stability) performed at Invitae indicates that this missense variant is expected to disrupt ERCC3 protein function. In summary, the available evidence is currently insufficient to determine the role of this variant in disease. Therefore, it has been classified as a Variant of Uncertain Significance.